The following is an entry in ClinVar:

NM_001256545.2(MEGF10):c.3122C>T (p.Pro1041Leu)

Gene: MEGF10 (multiple EGF like domains 10; plus strand). Cytogenetic location: 5q23.2.
Variant type: single nucleotide variant.
Coding change: c.3122C>T on transcript NM_001256545.2 (MANE Select); coding-DNA position 3122, C replaced by T.
Protein change: p.Pro1041Leu; replaces proline 1041 with leucine.
Molecular consequence: missense variant.
Genome position (GRCh38, 1-based): chr5:127,455,497, C>T. VCF-style: chr5-127455497-C-T. GRCh37 (hg19) VCF-style: chr5-126791189-C-T.
Other names: c.3122C>T (NM_032446.2); c.3122C>T, p.Pro1041Leu (NM_032446.3); short protein forms P1041L.
Identifiers: ClinVar variation 2143107 (VCV002143107.2), dbSNP rs1262313817, ClinGen allele CA360716778.

ClinVar aggregate classification (germline): Uncertain significance. Review status: criteria provided, multiple submitters, no conflicts (2 of 4 stars). 2 submissions from 2 submitters: Uncertain significance (2). Last evaluated 2025-02-07.

Conditions:
MEGF10-related myopathy (CMYO10A). Also called: Congenital myopathy 10A, severe variant. Identifiers: Orphanet 439212, MedGen C3280679, MONDO:0013731, OMIM 614399.
Inborn genetic diseases. Identifiers: MedGen C0950123, MeSH D030342.

Allele frequency attached by ClinVar (database versions not stated): gnomAD 0.00001; TOPMed 0.00001.

Submissions (2):

Ambry Genetics
Classification: Uncertain significance for Inborn genetic diseases. Last evaluated: 2025-02-07. Review status: criteria provided, single submitter. Criteria: Ambry Variant Classification Scheme 2023. Collection method: clinical testing. Allele origin: germline.

Labcorp Genetics (formerly Invitae), Labcorp
Classification: Uncertain significance for MEGF10-related myopathy. Last evaluated: 2022-03-18. Review status: criteria provided, single submitter. Criteria: Invitae Variant Classification Sherloc (09022015). Collection method: clinical testing. Allele origin: germline.
Comment: This sequence change replaces proline, which is neutral and non-polar, with leucine, which is neutral and non-polar, at codon 1041 of the MEGF10 protein (p.Pro1041Leu). This variant is present in population databases (no rsID available, gnomAD 0.003%). This variant has not been reported in the literature in individuals affected with MEGF10-related conditions. Algorithms developed to predict the effect of missense changes on protein structure and function are either unavailable or do not agree on the potential impact of this missense change (SIFT: "Deleterious"; PolyPhen-2: "Benign"; Align-GVGD: "Class C0"). In summary, the available evidence is currently insufficient to determine the role of this variant in disease. Therefore, it has been classified as a Variant of Uncertain Significance.